The following is an entry in ClinVar:

NM_203447.4(DOCK8):c.4735G>A (p.Ala1579Thr)

Gene: DOCK8 (dedicator of cytokinesis 8; plus strand). Cytogenetic location: 9p24.3.
Variant type: single nucleotide variant.
Coding change: c.4735G>A on transcript NM_203447.4 (MANE Select); coding-DNA position 4735, G replaced by A.
Protein change: p.Ala1579Thr; replaces alanine 1579 with threonine.
Molecular consequence: missense variant.
Genome position (GRCh38, 1-based): chr9:432,274, G>A. VCF-style: chr9-432274-G-A. GRCh37 (hg19) VCF-style: chr9-432274-G-A.
Other names: c.4435G>A, p.Ala1479Thr (NM_001190458.2); c.4531G>A, p.Ala1511Thr (NM_001193536.2); short protein forms A1511T, A1479T, A1579T.
Identifiers: ClinVar variation 1440463 (VCV001440463.7), dbSNP rs891653862, ClinGen allele CA187805012.

ClinVar aggregate classification (germline): Uncertain significance (1 of 4 stars; one submission).

Conditions:
Combined immunodeficiency due to DOCK8 deficiency (HIES2). Also called: HYPER-IgE SYNDROME 2, AUTOSOMAL RECESSIVE, WITH RECURRENT INFECTIONS; HIES autosomal recessive; DOCK8 Deficiency; Hyper-IgE recurrent infection syndrome, autosomal recessive; HYPER-IgE RECURRENT INFECTION SYNDROME 2, AUTOSOMAL RECESSIVE. Identifiers: Orphanet 217390, MedGen C4722305, MONDO:0009478, OMIM 243700.

Allele frequency attached by ClinVar (database versions not stated): gnomAD exomes 0.00001 and 0.00004; TOPMed 0.00009; gnomAD 0.00015 and 0.00016.
gnomAD v4.1: 40 of 1,613,726 alleles (0.0025%); highest among the groups gnomAD compares: Admixed American, 0.047%; no homozygotes.

Submission:

Labcorp Genetics (formerly Invitae), Labcorp
Classification: Uncertain significance for Combined immunodeficiency due to DOCK8 deficiency. Last evaluated: 2025-06-29. Review status: criteria provided, single submitter. Criteria: Invitae Variant Classification Sherloc (09022015). Collection method: clinical testing. Allele origin: germline.
Comment: This sequence change replaces alanine, which is neutral and non-polar, with threonine, which is neutral and polar, at codon 1579 of the DOCK8 protein (p.Ala1579Thr). This variant is present in population databases (no rsID available, gnomAD 0.03%). This variant has not been reported in the literature in individuals affected with DOCK8-related conditions. ClinVar contains an entry for this variant (Variation ID: 1440463). Invitae Evidence Modeling of protein sequence and biophysical properties (such as structural, functional, and spatial information, amino acid conservation, physicochemical variation, residue mobility, and thermodynamic stability) indicates that this missense variant is not expected to disrupt DOCK8 protein function with a negative predictive value of 80%. In summary, the available evidence is currently insufficient to determine the role of this variant in disease. Therefore, it has been classified as a Variant of Uncertain Significance.